The following is an entry in ClinVar:

ClinVar aggregate classification (germline): Uncertain significance (1 of 4 stars; one submission).

Conditions:
PHIP-related disorder. Also called: PHIP-related disorders; PHIP-related condition.

gnomAD v4.1: 1 of 1,605,460 alleles (0.000062%); highest among the groups gnomAD compares: Admixed American, 0.0017%; no homozygotes.

Submission:

PreventionGenetics, part of Exact Sciences
Classification: Uncertain significance for PHIP-related condition. Last evaluated: 2025-04-29. Review status: criteria provided, single submitter. Criteria: ACMG Guidelines, 2015. Collection method: clinical testing. Allele origin: germline.
Comment: The PHIP c.2017+2T>G variant is predicted to disrupt the GT donor site and interfere with normal splicing. To our knowledge, this variant has not been reported in the literature. This variant is reported in 0.0029% of alleles in individuals of Latino descent in gnomAD. Although we suspect that this variant may be pathogenic, at this time, the clinical significance of this variant is uncertain due to the absence of conclusive functional and genetic evidence.

NM_017934.7(PHIP):c.2017+2T>G

Gene: PHIP (PHIP subunit of CUL4-Ring ligase complex; minus strand). Cytogenetic location: 6q14.1.
Variant type: single nucleotide variant.
Coding change: c.2017+2T>G on transcript NM_017934.7 (MANE Select); the canonical splice donor site of the intron after coding-DNA position 2017, T replaced by G.
Molecular consequence: splice donor variant.
Genome position (GRCh38, 1-based): chr6:78,998,252, A>C on the plus strand (T>G on the coding strand, the complement: PHIP is on the minus strand). VCF-style: chr6-78998252-A-C. GRCh37 (hg19) VCF-style: chr6-79707969-A-C.
Identifiers: ClinVar variation 4999853 (VCV004999853.1).
Genomic context (GRCh38, chr6:78,998,252, plus strand): 5'-GTGGGAGATTTAGGCTGTTTCAAATTTTTAAATATTTCACTTAAAATAGAATACCTGCTT[A>C]CCTCTACTTAAACGGCTGGTATTACTGATAACTGCTTCACCAGAACGTCTCAGGTCTTGC-3'